The following is an entry in ClinVar:

ClinVar aggregate classification (germline): Likely benign. Review status: criteria provided, multiple submitters, no conflicts (2 of 4 stars). 2 submissions from 2 submitters: Likely benign (2). Last evaluated 2025-08-10.

Conditions:
PEX5-related disorder. Also called: PEX5-related condition; PEX5-Related Disorders.
Peroxisome biogenesis disorder 2B (PBD2B). Identifiers: Orphanet 44, MedGen C3550234, MONDO:0008736, OMIM 202370.

Allele frequency attached by ClinVar (database versions not stated): gnomAD exomes 0.00001.
gnomAD v4.1: 10 of 1,613,564 alleles (0.00062%); highest among the groups gnomAD compares: East Asian, 0.022%; no homozygotes.

Submissions (2):

PreventionGenetics, part of Exact Sciences
Classification: Likely benign for PEX5-related condition. Last evaluated: 2025-08-10. Review status: criteria provided, single submitter. Criteria: ACMG Guidelines, 2015. Collection method: clinical testing. Allele origin: germline.
Comment: This variant is classified as likely benign based on ACMG/AMP sequence variant interpretation guidelines (Richards et al. 2015 PMID: 25741868, with internal and published modifications).

Labcorp Genetics (formerly Invitae), Labcorp
Classification: Likely benign for Peroxisome biogenesis disorder 2B. Last evaluated: 2023-07-15. Review status: criteria provided, single submitter. Criteria: Invitae Variant Classification Sherloc (09022015). Collection method: clinical testing. Allele origin: germline.

NM_001351132.2(PEX5):c.567T>C (p.His189=)

Gene: PEX5 (peroxisomal biogenesis factor 5; plus strand). Cytogenetic location: 12p13.31.
Variant type: single nucleotide variant.
Coding change: c.567T>C on transcript NM_001351132.2 (MANE Select); coding-DNA position 567, T replaced by C.
Protein change: p.His189=; no amino-acid change (histidine 189 retained).
Molecular consequence: synonymous variant.
Genome position (GRCh38, 1-based): chr12:7,201,766, T>C. VCF-style: chr12-7201766-T-C. GRCh37 (hg19) VCF-style: chr12-7354362-T-C.
Other names: c.567T>C (NM_001131025.1); c.567T>C, p.His189= (NM_000319.5, NM_001131024.2, NM_001131025.2 and 19 more transcripts); c.612T>C, p.His204= (NM_001131023.2, NM_001351135.3, NM_001351138.2).
Identifiers: ClinVar variation 1116008 (VCV001116008.11), dbSNP rs1443546589, ClinGen allele CA478185878.
Genomic context (GRCh38, chr12:7,201,766, plus strand): 5'-GGTGATGGCAGACTAATGTGTAAAATTAGTTCTTACCCGTTCCAGGTATGATGAATATCA[T>C]CCTGAGGAGGATCTGCAGCACACGGCCAGTGACTTTGTGGCCAAAGTGGATGACCCCAAA-3'
Protein context (NP_001338061.1, residues 179-199): TATDRWYDEY[His189=]PEEDLQHTAS